The following is an entry in ClinVar:

NM_000278.5(PAX2):c.125T>C (p.Val42Ala)

Gene: PAX2 (paired box 2; plus strand). Cytogenetic location: 10q24.31.
Variant type: single nucleotide variant.
Coding change: c.125T>C on transcript NM_000278.5 (MANE Select); coding-DNA position 125, T replaced by C.
Protein change: p.Val42Ala; replaces valine 42 with alanine.
Molecular consequence: missense variant.
Genome position (GRCh38, 1-based): chr10:100,749,827, T>C. VCF-style: chr10-100749827-T-C. GRCh37 (hg19) VCF-style: chr10-102509584-T-C.
Other names: c.218T>C, p.Val73Ala (NM_001304569.2); c.125T>C, p.Val42Ala (NM_003987.5, NM_003988.5, NM_003989.5 and 1 more transcripts); short protein forms V42A, V73A.
Identifiers: ClinVar variation 2444301 (VCV002444301.1), dbSNP rs2492893207, ClinGen allele CA378257578.

ClinVar aggregate classification (germline): Uncertain significance (1 of 4 stars; one submission).

Conditions:
Renal coloboma syndrome (PAPRS). Also called: PAPILLORENAL SYNDROME; COLOBOMA OF OPTIC NERVE WITH RENAL DISEASE; CONGENITAL ANOMALIES OF THE KIDNEY AND URINARY TRACT WITH OR WITHOUT OCULAR ABNORMALITIES; OPTIC COLOBOMA, VESICOURETERAL REFLUX, AND RENAL ANOMALIES; OPTIC NERVE COLOBOMA WITH RENAL DISEASE; RENAL-COLOBOMA SYNDROME WITH MACULAR ABNORMALITIES. Identifiers: Orphanet 1475, MedGen C1852759, MONDO:0007352, OMIM 120330.

Submission:

3billion
Classification: Uncertain significance for Renal coloboma syndrome. Last evaluated: 2023-02-23. Review status: criteria provided, single submitter. Criteria: ACMG Guidelines, 2015. Collection method: clinical testing. Allele origin: unknown. Affected: yes.
Comment: The variant is not observed in the gnomAD v2.1.1 dataset. The variant is located in a mutational hot spot and/or well-established functional domain in which established pathogenic variants have been reported. In silico tool predictions suggest damaging effect of the variant on gene or gene product (REVEL: 0.97; 3Cnet: 0.97). However, the evidence of pathogenicity is insufficient at this time. Therefore, this variant is classified as VUS according to the recommendation of ACMG/AMP guideline.